The following is an entry in ClinVar:

ClinVar aggregate classification (germline): Uncertain significance (1 of 4 stars; one submission).

Conditions:
GLUT1 deficiency syndrome 1, autosomal recessive. Identifiers: MedGen C3149117.

Allele frequency attached by ClinVar (database versions not stated): gnomAD exomes below 0.00001; TOPMed 0.00001.
gnomAD v4.1: 1 of 1,613,428 alleles (0.000062%); highest among the groups gnomAD compares: African/African-American, 0.0013%; no homozygotes.

Submission:

Labcorp Genetics (formerly Invitae), Labcorp
Classification: Uncertain significance for GLUT1 deficiency syndrome 1, autosomal recessive. Last evaluated: 2023-09-03. Review status: criteria provided, single submitter. Criteria: Invitae Variant Classification Sherloc (09022015). Collection method: clinical testing. Allele origin: germline.
Comment: This sequence change replaces alanine, which is neutral and non-polar, with aspartic acid, which is acidic and polar, at codon 151 of the SLC2A1 protein (p.Ala151Asp). This variant is present in population databases (no rsID available, gnomAD 0.007%). This variant has not been reported in the literature in individuals affected with SLC2A1-related conditions. Algorithms developed to predict the effect of missense changes on protein structure and function output the following: SIFT: "Not Available"; PolyPhen-2: "Possibly Damaging"; Align-GVGD: "Not Available". The aspartic acid amino acid residue is found in multiple mammalian species, which suggests that this missense change does not adversely affect protein function. In summary, the available evidence is currently insufficient to determine the role of this variant in disease. Therefore, it has been classified as a Variant of Uncertain Significance.

NM_006516.4(SLC2A1):c.452C>A (p.Ala151Asp)

Gene: SLC2A1 (solute carrier family 2 member 1; minus strand). Cytogenetic location: 1p34.2.
Variant type: single nucleotide variant.
Coding change: c.452C>A on transcript NM_006516.4 (MANE Select); coding-DNA position 452, C replaced by A.
Protein change: p.Ala151Asp; replaces alanine 151 with aspartic acid.
Molecular consequence: missense variant.
Genome position (GRCh38, 1-based): chr1:42,930,690, G>T on the plus strand (C>A on the coding strand, the complement: SLC2A1 is on the minus strand). VCF-style: chr1-42930690-G-T. GRCh37 (hg19) VCF-style: chr1-43396361-G-T.
Other names: short protein forms A151D.
Identifiers: ClinVar variation 3018304 (VCV003018304.3), dbSNP rs1351005021, ClinGen allele CA339960577.